The following is an entry in ClinVar:

ClinVar aggregate classification (germline): Uncertain significance (1 of 4 stars; one submission).

Conditions:
Autoimmune lymphoproliferative syndrome type 2A (ALPS2A). Also called: CASP10-Related Autoimmune Lymphoproliferative Syndrome; AUTOIMMUNE LYMPHOPROLIFERATIVE SYNDROME, TYPE IIA; Autoimmune lymphoproliferative syndrome type 2. Identifiers: Orphanet 3261, MedGen C1858968, MONDO:0011383, OMIM 603909.

Submission:

Labcorp Genetics (formerly Invitae), Labcorp
Classification: Uncertain significance for Autoimmune lymphoproliferative syndrome type 2A. Last evaluated: 2022-11-15. Review status: criteria provided, single submitter. Criteria: Invitae Variant Classification Sherloc (09022015). Collection method: clinical testing. Allele origin: germline.
Comment: In summary, the available evidence is currently insufficient to determine the role of this variant in disease. Therefore, it has been classified as a Variant of Uncertain Significance. Advanced modeling of protein sequence and biophysical properties (such as structural, functional, and spatial information, amino acid conservation, physicochemical variation, residue mobility, and thermodynamic stability) performed at Invitae indicates that this missense variant is not expected to disrupt CASP10 protein function. ClinVar contains an entry for this variant (Variation ID: 652716). This variant has not been reported in the literature in individuals affected with CASP10-related conditions. This variant is not present in population databases (gnomAD no frequency). This sequence change replaces alanine, which is neutral and non-polar, with aspartic acid, which is acidic and polar, at codon 383 of the CASP10 protein (p.Ala383Asp).

NM_032977.4(CASP10):c.1148C>A (p.Ala383Asp)

Gene: CASP10 (caspase 10; plus strand). Cytogenetic location: 2q33.1.
Variant type: single nucleotide variant.
Coding change: c.1148C>A on transcript NM_032977.4 (MANE Select); coding-DNA position 1148, C replaced by A.
Protein change: p.Ala383Asp; replaces alanine 383 with aspartic acid.
Molecular consequence: missense variant. On other transcripts: 3 prime UTR variant (1).
Genome position (GRCh38, 1-based): chr2:201,209,295, C>A. VCF-style: chr2-201209295-C-A. GRCh37 (hg19) VCF-style: chr2-202074018-C-A.
Other names: c.947C>A, p.Ala316Asp (NM_001206524.2); c.1019C>A, p.Ala340Asp (NM_001206542.2, NM_001230.5); c.1148C>A, p.Ala383Asp (NM_032974.5); c.*234C>A (NM_032976.4); short protein forms A316D, A340D, A383D.
Identifiers: ClinVar variation 652716 (VCV000652716.11), dbSNP rs1181337952, ClinGen allele CA350291718.